The following is an entry in ClinVar:

ClinVar aggregate classification (germline): Benign (1 of 4 stars; one submission).

Conditions:
Tay-Sachs disease, variant AB. Also called: Gm2-gangliosidosis, ab variant; GM2 Activator Deficiency. Identifiers: Orphanet 309246, MedGen C0268275, MONDO:0010099, OMIM 272750.

Allele frequency attached by ClinVar (database versions not stated): gnomAD exomes 0.00041; gnomAD 0.00596 and 0.00637; TOPMed 0.00644; 1000 Genomes Project 0.00679; 1000 Genomes Project 30x 0.00703.

Submission:

Illumina Laboratory Services, Illumina
Classification: Benign for Tay-Sachs disease, variant AB. Last evaluated: 2017-04-27. Review status: criteria provided, single submitter. Criteria: ICSL Variant Classification Criteria 13 December 2019. Collection method: clinical testing. Allele origin: germline.
Comment: This variant was observed as part of a predisposition screen in an ostensibly healthy population. A literature search was performed for the gene, cDNA change, and amino acid change (where applicable). No publications were found based on this search. Allele frequency data from public databases was too high to be consistent with this variant causing disease. Therefore, this variant is classified as benign.

NM_000405.5(GM2A):c.*790C>T

Gene: GM2A (ganglioside GM2 activator; plus strand). Cytogenetic location: 5q33.1.
Variant type: single nucleotide variant.
Coding change: c.*790C>T on transcript NM_000405.5 (MANE Select); 790 bases downstream of the stop codon, C replaced by T.
Molecular consequence: 3 prime UTR variant.
Genome position (GRCh38, 1-based): chr5:151,268,241, C>T. VCF-style: chr5-151268241-C-T. GRCh37 (hg19) VCF-style: chr5-150647802-C-T.
Other names: c.*601C>T (NM_001167607.3).
Identifiers: ClinVar variation 906602 (VCV000906602.4), dbSNP rs181571430, ClinGen allele CA129900571.